The following is an entry in ClinVar:

ClinVar aggregate classification (germline): Uncertain significance (1 of 4 stars; one submission).

Conditions:
Hereditary cancer-predisposing syndrome. Also called: Tumor predisposition; Hereditary Cancer Syndrome; Hereditary neoplastic syndrome; Neoplastic Syndromes, Hereditary. Identifiers: Orphanet 140162, MedGen C0027672, MeSH D009386, MONDO:0015356.

Submission:

Ambry Genetics
Classification: Uncertain significance for Hereditary cancer-predisposing syndrome. Last evaluated: 2024-05-02. Review status: criteria provided, single submitter. Criteria: Ambry Variant Classification Scheme 2023. Collection method: clinical testing. Allele origin: germline.
Comment: The p.P102Q variant (also known as c.305C>A), located in coding exon 3 of the FANCC gene, results from a C to A substitution at nucleotide position 305. The proline at codon 102 is replaced by glutamine, an amino acid with similar properties. This amino acid position is conserved. In addition, this alteration is predicted to be deleterious by in silico analysis. Based on the available evidence, the clinical significance of this variant remains unclear.

NM_000136.3(FANCC):c.305C>A (p.Pro102Gln)

Gene: FANCC (FA complementation group C; minus strand). Cytogenetic location: 9q22.32.
Variant type: single nucleotide variant.
Coding change: c.305C>A on transcript NM_000136.3 (MANE Select); coding-DNA position 305, C replaced by A.
Protein change: p.Pro102Gln; replaces proline 102 with glutamine.
Molecular consequence: missense variant.
Genome position (GRCh38, 1-based): chr9:95,240,689, G>T on the plus strand (C>A on the coding strand, the complement: FANCC is on the minus strand). VCF-style: chr9-95240689-G-T. GRCh37 (hg19) VCF-style: chr9-98002971-G-T.
Other names: c.305C>A, p.Pro102Gln (NM_001243743.2, NM_001243744.2); short protein forms P102Q.
Identifiers: ClinVar variation 3277623 (VCV003277623.1).
Genomic context (GRCh38, chr9:95,240,689, plus strand): 5'-AGCAAGATTTACTCTCTTACCTGTATCCAGGAGTTAAGTTTTGATTGTCCAGAATTCTGT[G>T]GTTCTTTGTTAATTAGACAACATAAGCACCATATTAGAATTTTTTGGCTTTCATCTACAA-3'
Protein context (NP_000127.2, residues 92-112): WCLCCLINKE[Pro102Gln]QNSGQSKLNS